The following is an entry in ClinVar:

NM_006214.4(PHYH):c.546C>T (p.Pro182=)

Gene: PHYH (phytanoyl-CoA 2-hydroxylase; minus strand). Cytogenetic location: 10p13.
Variant type: single nucleotide variant.
Coding change: c.546C>T on transcript NM_006214.4 (MANE Select); coding-DNA position 546, C replaced by T.
Protein change: p.Pro182=; no amino-acid change (proline 182 retained).
Molecular consequence: synonymous variant. On other transcripts: intron variant (1).
Genome position (GRCh38, 1-based): chr10:13,288,492, G>A on the plus strand (C>T on the coding strand, the complement: PHYH is on the minus strand). VCF-style: chr10-13288492-G-A. GRCh37 (hg19) VCF-style: chr10-13330492-G-A.
Other names: c.246C>T, p.Pro82= (NM_001037537.2, NM_001323080.2); c.552C>T, p.Pro184= (NM_001323082.2); c.252C>T, p.Pro84= (NM_001323084.2); c.415-4653C>T (NM_001323083.2).
Identifiers: ClinVar variation 3674528 (VCV003674528.2).

ClinVar aggregate classification (germline): Uncertain significance (1 of 4 stars; one submission).

gnomAD v4.1: 2 of 1,614,230 alleles (0.00012%); highest among the groups gnomAD compares: Non-Finnish European, 0.00017%; no homozygotes.

Submission:

Labcorp Genetics (formerly Invitae), Labcorp
Classification: Uncertain significance. Last evaluated: 2024-02-23. Review status: criteria provided, single submitter. Criteria: Invitae Variant Classification Sherloc (09022015). Collection method: clinical testing. Allele origin: germline.
Comment: This sequence change affects codon 182 of the PHYH mRNA. It is a 'silent' change, meaning that it does not change the encoded amino acid sequence of the PHYH protein. This variant is present in population databases (rs747694906, gnomAD 0.0009%). This variant has not been reported in the literature in individuals affected with PHYH-related conditions. Algorithms developed to predict the effect of sequence changes on RNA splicing suggest that this variant may disrupt the consensus splice site. In summary, the available evidence is currently insufficient to determine the role of this variant in disease. Therefore, it has been classified as a Variant of Uncertain Significance.